The following is an entry in ClinVar:

ClinVar aggregate classification (germline): Uncertain significance (1 of 4 stars; one submission).

Conditions:
Hereditary cancer-predisposing syndrome. Also called: Neoplastic Syndromes, Hereditary; Tumor predisposition; Hereditary Cancer Syndrome; Hereditary neoplastic syndrome. Identifiers: Orphanet 140162, MedGen C0027672, MeSH D009386, MONDO:0015356.

Submission:

Ambry Genetics
Classification: Uncertain significance for Hereditary cancer-predisposing syndrome. Last evaluated: 2017-08-02. Review status: criteria provided, single submitter. Criteria: Ambry Variant Classification Scheme 2023. Collection method: clinical testing. Allele origin: germline.
Comment: The p.L695I variant (also known as c.2083C>A), located in coding exon 4 of the MSH6 gene, results from a C to A substitution at nucleotide position 2083. The leucine at codon 695 is replaced by isoleucine, an amino acid with highly similar properties. This amino acid position is well conserved in available vertebrate species. In addition, this alteration is predicted to be tolerated by in silico analysis. In addition, the CoDP in silico tool predicts this alteration to have minor impact on molecular function, with a score of 0.022 (Terui H et al. J. Biomed. Sci. 2013 Apr;20:25). Since supporting evidence is limited at this time, the clinical significance of this alteration remains unclear.

NM_000179.3(MSH6):c.2083C>A (p.Leu695Ile)

Gene: MSH6 (mutS homolog 6; plus strand). Cytogenetic location: 2p16.3.
Variant type: single nucleotide variant.
Coding change: c.2083C>A on transcript NM_000179.3 (MANE Select); coding-DNA position 2083, C replaced by A.
Protein change: p.Leu695Ile; replaces leucine 695 with isoleucine.
Molecular consequence: missense variant.
Genome position (GRCh38, 1-based): chr2:47,800,066, C>A. VCF-style: chr2-47800066-C-A. GRCh37 (hg19) VCF-style: chr2-48027205-C-A.
Other names: c.1693C>A, p.Leu565Ile (NM_001281492.2); c.1177C>A, p.Leu393Ile (NM_001281493.2, NM_001281494.2, NM_001406811.1 and 6 more transcripts); c.2179C>A, p.Leu727Ile (NM_001406795.1, NM_001406802.1); c.2083C>A, p.Leu695Ile (NM_001406796.1, NM_001406798.1, NM_001406800.1 and 3 more transcripts); c.1786C>A, p.Leu596Ile (NM_001406797.1, NM_001406801.1, NM_001406805.1 and 10 more transcripts); c.1558C>A, p.Leu520Ile (NM_001406799.1, NM_001406806.1, NM_001406807.1); c.2005C>A, p.Leu669Ile (NM_001406804.1); c.2089C>A, p.Leu697Ile (NM_001406813.1); and 1 more; short protein forms L695I, L727I, L520I, L596I, L639I, L669I, L393I, L565I.
Identifiers: ClinVar variation 1785595 (VCV001785595.2), dbSNP rs1669418611, ClinGen allele CA346750830.